The following is an entry in ClinVar:

NM_005633.4(SOS1):c.1412G>T (p.Cys471Phe)

Gene: SOS1 (SOS Ras/Rac guanine nucleotide exchange factor 1; minus strand). Cytogenetic location: 2p22.1.
Variant type: single nucleotide variant.
Coding change: c.1412G>T on transcript NM_005633.4 (MANE Select); coding-DNA position 1412, G replaced by T.
Protein change: p.Cys471Phe; replaces cysteine 471 with phenylalanine.
Molecular consequence: missense variant.
Genome position (GRCh38, 1-based): chr2:39,023,016, C>A on the plus strand (G>T on the coding strand, the complement: SOS1 is on the minus strand). VCF-style: chr2-39023016-C-A. GRCh37 (hg19) VCF-style: chr2-39250157-C-A.
Other names: c.1391G>T, p.Cys464Phe (NM_001382394.1); c.1412G>T, p.Cys471Phe (NM_001382395.1); short protein forms C464F, C471F.
Identifiers: ClinVar variation 2581573 (VCV002581573.1), dbSNP rs397517151, ClinGen allele CA346366227.

ClinVar aggregate classification (germline): Uncertain significance (1 of 4 stars; one submission).

Submission:

Women's Health and Genetics/Laboratory Corporation of America, LabCorp
Classification: Uncertain significance. Last evaluated: 2023-08-08. Review status: criteria provided, single submitter. Criteria: LabCorp Variant Classification Summary - May 2015. Collection method: clinical testing. Allele origin: germline.
Comment: Variant summary: SOS1 c.1412G>T (p.Cys471Phe) results in a non-conservative amino acid change located in the Pleckstrin homology domain (IPR001849) of the encoded protein sequence. Five of five in-silico tools predict a damaging effect of the variant on protein function. The variant was absent in 251128 control chromosomes (gnomAD). The available data on variant occurrences in the general population are insufficient to allow any conclusion about variant significance. To our knowledge, no occurrence of c.1412G>T in individuals affected with Noonan Syndrome and no experimental evidence demonstrating its impact on protein function have been reported. No submitters have reported clinical-significance assessments for this variant to ClinVar after 2014. Based on the evidence outlined above, the variant was classified as uncertain significance.